The following is an entry in ClinVar:

NM_173825.5(RABL3):c.268+6A>G

Gene: RABL3 (RAB, member of RAS oncogene family like 3; minus strand). Cytogenetic location: 3q13.33.
Variant type: single nucleotide variant.
Coding change: c.268+6A>G on transcript NM_173825.5 (MANE Select); 6 bases into the intron after coding-DNA position 268, A replaced by G.
Molecular consequence: intron variant.
Genome position (GRCh38, 1-based): chr3:120,709,774, T>C on the plus strand (A>G on the coding strand, the complement: RABL3 is on the minus strand). VCF-style: chr3-120709774-T-C. GRCh37 (hg19) VCF-style: chr3-120428621-T-C.
Other names: c.268+6A>G (NM_001363964.1, NM_001363965.1).
Identifiers: ClinVar variation 3059517 (VCV003059517.2), dbSNP rs11720353, ClinGen allele CA2560572.
Genomic context (GRCh38, chr3:120,709,774, plus strand): 5'-ATTACATATCAGATGATCTATACTCTTAGACCATTAATATAAGATAGAAATTTAAAAATG[T>C]TTTACCATTTACGGAGTTGTAGAATACTGCTCTTGTGCTTTTCACGCTGCTGGCACTGCC-3'

ClinVar aggregate classification (germline): Benign (0 of 4 stars; one submission).

Conditions:
RABL3-related disorder. Also called: RABL3-related condition.

Allele frequency attached by ClinVar (database versions not stated): 1000 Genomes Project 0.20168; 1000 Genomes Project 30x 0.20534; TOPMed 0.25865; gnomAD 0.27683; ExAC 0.28059; ESP Exome Variant Server 0.29263; gnomAD exomes 0.31204.
gnomAD v4.1: 492,211 of 1,598,902 alleles (31%); highest among the groups gnomAD compares: Non-Finnish European, 33%; 79,708 homozygotes.

Submission:

PreventionGenetics, part of Exact Sciences
Classification: Benign for RABL3-related condition. Last evaluated: 2019-11-05. Review status: no assertion criteria provided. Collection method: clinical testing. Allele origin: germline.
Comment: This variant is classified as benign based on ACMG/AMP sequence variant interpretation guidelines (Richards et al. 2015 PMID: 25741868, with internal and published modifications).